The following is an entry in ClinVar:

Single allele

Genes: MAGEA1 (MAGE family member A1; plus strand), MAGEA10 (MAGE family member A10; minus strand), MAGEA11 (MAGE family member A11; plus strand), MAGEA12 (MAGE family member A12), MAGEA2 (MAGE family member A2) and 279 more. Cytogenetic location: Xq26.3-28.
Variant type: Duplication.
Identifiers: ClinVar variation 4849576 (VCV004849576.1).

ClinVar aggregate classification (germline): Likely pathogenic (1 of 4 stars; one submission).

Conditions:
X-linked acrogigantism due to Xq26 microduplication. Also called: CHROMOSOME Xq26 MICRODUPLICATION SYNDROME; Chromosome Xq26.3 duplication syndrome; X-Linked Acrogigantism. Identifiers: Orphanet 300373, Orphanet 448372, MedGen C3891556, MONDO:0010491, OMIM 300942.

Submission:

Service of Pediatric Gastrohepatology and Metabolic Diseases, University of Medicine of Tirana
Classification: Likely pathogenic for X-linked acrogigantism due to Xq26 microduplication. Last evaluated: 2026-04-29. Review status: criteria provided, single submitter. Criteria: ACMG Guidelines, 2015. Collection method: clinical testing. Allele origin: germline. Inheritance: X-linked inheritance. Affected: yes. Observed: 1 variant allele.
Comment: The chrX:135760044-153427263 duplication was classified as Likely pathogenic using ACMG/ClinGen CNV/SV 2019 technical standards (PMID:31690835), with ACMG/AMP 2015 considered where applicable. The variant spans Xq26.3-q28 and was interpreted based on size, gene content/dosage effect, rarity, and concordance with chromosome Xq26.3 duplication syndrome (OMIM:300942).